The following is an entry in ClinVar:

ClinVar aggregate classification (germline): Benign/Likely benign. Review status: criteria provided, multiple submitters, no conflicts (2 of 4 stars). 7 submissions from 7 submitters: Benign (2); Likely benign (5). Last evaluated 2026-02-01.

Conditions:
Hypercalcemia, infantile, 1 (HCINF1). Identifiers: Orphanet 300547, MedGen CN031131, MONDO:0020739, OMIM 143880.

Allele frequency attached by ClinVar (database versions not stated): 1000 Genomes Project 30x 0.00828; 1000 Genomes Project 0.00859; gnomAD 0.01586 and 0.01605; gnomAD exomes 0.01640 and 0.02275; TOPMed 0.01736; ESP Exome Variant Server 0.01739; ExAC 0.02134.
gnomAD v4.1: 35,714 of 1,606,902 alleles (2.2%); highest among the groups gnomAD compares: Middle Eastern, 3.3%; 483 homozygotes.

Submissions (7):

Labcorp Genetics (formerly Invitae), Labcorp
Classification: Benign. Last evaluated: 2026-02-01. Review status: criteria provided, single submitter. Criteria: Invitae Variant Classification Sherloc (09022015). Collection method: clinical testing. Allele origin: germline.

Blueprint Genetics
Classification: Likely benign. Last evaluated: 2024-11-28. Review status: criteria provided, single submitter. Criteria: ACMG Guidelines, 2015. Collection method: clinical testing. Allele origin: germline.

Mayo Clinic Laboratories, Mayo Clinic
Classification: Likely benign. Last evaluated: 2024-11-20. Review status: criteria provided, single submitter. Criteria: ACMG Guidelines, 2015. Collection method: clinical testing. Allele origin: germline. Observed: 9 variant alleles.
Comment: BS2, BP4, BP7

Fulgent Genetics
Classification: Likely benign for Hypercalcemia, infantile, 1. Last evaluated: 2021-12-29. Review status: criteria provided, single submitter. Criteria: ACMG Guidelines, 2015. Collection method: clinical testing. Allele origin: unknown.

GeneDx
Classification: Likely benign. Last evaluated: 2021-04-12. Review status: criteria provided, single submitter. Criteria: GeneDx Variant Classification Process June 2021. Collection method: clinical testing. Allele origin: germline. Affected: yes.

Illumina Laboratory Services, Illumina
Classification: Benign for Hypercalcemia, infantile, 1. Last evaluated: 2018-01-13. Review status: criteria provided, single submitter. Criteria: ICSL Variant Classification Criteria 13 December 2019. Collection method: clinical testing. Allele origin: germline.
Comment: This variant was observed in the ICSL laboratory as part of a predisposition screen in an ostensibly healthy population. It had not been previously curated by ICSL or reported in the Human Gene Mutation Database (HGMD: prior to June 1st, 2018), and was therefore a candidate for classification through an automated scoring system. Utilizing variant allele frequency, disease prevalence and penetrance estimates, and inheritance mode, an automated score was calculated to assess if this variant is too frequent to cause the disease. Based on the score and internal cut-off values, a variant classified as benign is not then subjected to further curation. The score for this variant resulted in a classification of benign for this disease.

Breakthrough Genomics
Classification: Likely benign. Review status: criteria provided, single submitter. Criteria: ACMG Guidelines, 2015. Collection method: not provided. Allele origin: germline. Inheritance: Autosomal recessive inheritance. Affected: yes.

NM_000782.5(CYP24A1):c.234T>G (p.Gly78=)

Gene: CYP24A1 (cytochrome P450 family 24 subfamily A member 1; minus strand). Cytogenetic location: 20q13.2.
Variant type: single nucleotide variant.
Coding change: c.234T>G on transcript NM_000782.5 (MANE Select); coding-DNA position 234, T replaced by G.
Protein change: p.Gly78=; no amino-acid change (glycine 78 retained).
Molecular consequence: synonymous variant.
Genome position (GRCh38, 1-based): chr20:54,173,346, A>C on the plus strand (T>G on the coding strand, the complement: CYP24A1 is on the minus strand). VCF-style: chr20-54173346-A-C. GRCh37 (hg19) VCF-style: chr20-52789885-A-C.
Other names: p.Gly78=; c.234T>G, p.Gly78= (NM_001128915.2).
Identifiers: ClinVar variation 338835 (VCV000338835.20), dbSNP rs61755338, ClinGen allele CA9916248.
Genomic context (GRCh38, chr20:54,173,346, plus strand): 5'-GGGAGGAGAGAGTCAGGGGCGCGAAAAGGGGTTTACCAGGGTGTCGTGCTGTTTCTTGAG[A>C]CCCCCTTTCCAGAGAATCTGCAGCAGGCTGCCCAGCAGTGGCCAGCTGGTGGGGCCCGGC-3'
Protein context (NP_000773.2, residues 68-88): GSLLQILWKG[Gly78=]LKKQHDTLVE